The following is an entry in ClinVar:

NM_000535.7(PMS2):c.2006+4A>C

Gene: PMS2 (PMS1 homolog 2, mismatch repair system component; minus strand). Cytogenetic location: 7p22.1.
Variant type: single nucleotide variant.
Coding change: c.2006+4A>C on transcript NM_000535.7 (MANE Select); 4 bases into the intron after coding-DNA position 2006, A replaced by C.
Molecular consequence: intron variant.
Genome position (GRCh38, 1-based): chr7:5,986,755, T>G on the plus strand (A>C on the coding strand, the complement: PMS2 is on the minus strand). VCF-style: chr7-5986755-T-G. GRCh37 (hg19) VCF-style: chr7-6026386-T-G.
Other names: c.1688+4A>C (NM_001322008.2, NM_001406883.1, NM_001406903.1 and 2 more transcripts); c.1697+4A>C (NM_001406881.1, NM_001406879.1, NM_001322015.2 and 5 more transcripts); c.1601+4A>C (NM_001406895.1, NM_001322004.2, NM_001406889.1 and 16 more transcripts); c.1235+4A>C (NM_001406911.1); c.1445+4A>C (NM_001322010.2, NM_001406906.1, NM_001406907.1); c.1532+4A>C (NM_001406902.1, NM_001406901.1); c.1493+4A>C (NM_001406904.1, NM_001406905.1); c.1433+4A>C (NM_001322013.2, NM_001406909.1); and 13 more.
Identifiers: ClinVar variation 4862102 (VCV004862102.1).
Genomic context (GRCh38, chr7:5,986,755, plus strand): 5'-AAAATAAAAAATAAAAATAAAAATTTTAGATAAAAAGAGAAAAAGTAAAAAATTAAAACT[T>G]TACCTTATCTCTTTTCTTAGTTCATCTTCGGCTGCTTGATTTTCTCCAGGACAAATCTTT-3'

ClinVar aggregate classification (germline): Uncertain significance (1 of 4 stars; one submission).

Conditions:
Hereditary cancer-predisposing syndrome. Also called: Neoplastic Syndromes, Hereditary; Tumor predisposition; Hereditary Cancer Syndrome; Hereditary neoplastic syndrome. Identifiers: Orphanet 140162, MedGen C0027672, MeSH D009386, MONDO:0015356.

Submission:

Ambry Genetics
Classification: Uncertain significance for Hereditary cancer-predisposing syndrome. Last evaluated: 2026-03-31. Review status: criteria provided, single submitter. Criteria: Ambry Variant Classification Scheme 2023. Collection method: clinical testing. Allele origin: germline.
Comment: The c.2006+4A>C intronic variant results from an A to C substitution 4 nucleotides after coding exon 11 in the PMS2 gene. This nucleotide position is not well conserved in available vertebrate species. In silico splice site analysis predicts that this alteration will not have any significant effect on splicing. Based on the available evidence, the clinical significance of this variant remains unclear.